The following is an entry in ClinVar:

NM_000313.4(PROS1):c.1544G>A (p.Arg515His)

Gene: PROS1 (protein S; minus strand). Cytogenetic location: 3q11.1.
Variant type: single nucleotide variant.
Coding change: c.1544G>A on transcript NM_000313.4 (MANE Select); coding-DNA position 1544, G replaced by A.
Protein change: p.Arg515His; replaces arginine 515 with histidine.
Molecular consequence: missense variant.
Genome position (GRCh38, 1-based): chr3:93,879,263, C>T on the plus strand (G>A on the coding strand, the complement: PROS1 is on the minus strand). VCF-style: chr3-93879263-C-T. GRCh37 (hg19) VCF-style: chr3-93598107-C-T.
Other names: c.1640G>A, p.Arg547His (NM_001314077.2); short protein forms R515H, R547H.
Identifiers: ClinVar variation 1703788 (VCV001703788.3), dbSNP rs769700380, ClinGen allele CA2503161.

ClinVar aggregate classification (germline): Uncertain significance. Review status: criteria provided, multiple submitters, no conflicts (2 of 4 stars). 2 submissions from 2 submitters: Uncertain significance (2). Last evaluated 2024-03-28.

Conditions:
Thrombophilia due to protein S deficiency, autosomal recessive (THPH6). Identifiers: Orphanet 743, MedGen C3281092, MONDO:0013791, OMIM 614514. Disease mechanism: loss of function.
Thrombophilia due to protein S deficiency, autosomal dominant (THPH5). Identifiers: Orphanet 26349, Orphanet 743, MedGen C3278211, MONDO:0012868, OMIM 612336. Disease mechanism: loss of function.

Allele frequency attached by ClinVar (database versions not stated): gnomAD 0.00001; gnomAD exomes 0.00001; ExAC 0.00002.
gnomAD v4.1: 16 of 1,613,812 alleles (0.00099%); highest among the groups gnomAD compares: East Asian, 0.0022%; no homozygotes.

Submissions (2):

Labcorp Genetics (formerly Invitae), Labcorp
Classification: Uncertain significance for Thrombophilia due to protein S deficiency, autosomal recessive. Last evaluated: 2024-03-28. Review status: criteria provided, single submitter. Criteria: Invitae Variant Classification Sherloc (09022015). Collection method: clinical testing. Allele origin: germline.
Comment: This sequence change replaces arginine, which is basic and polar, with histidine, which is basic and polar, at codon 515 of the PROS1 protein (p.Arg515His). This variant is present in population databases (rs769700380, gnomAD 0.006%). This missense change has been observed in individual(s) with suspected protein S deficiency (PMID: 26466767). ClinVar contains an entry for this variant (Variation ID: 1703788). Advanced modeling of protein sequence and biophysical properties (such as structural, functional, and spatial information, amino acid conservation, physicochemical variation, residue mobility, and thermodynamic stability) performed at Invitae indicates that this missense variant is not expected to disrupt PROS1 protein function with a negative predictive value of 80%. This variant disrupts the p.Arg515 amino acid residue in PROS1. Other variant(s) that disrupt this residue have been determined to be pathogenic (PMID: 8639833, 10613647, 15712227, 34533296). This suggests that this residue is clinically significant, and that variants that disrupt this residue are likely to be disease-causing. In summary, the available evidence is currently insufficient to determine the role of this variant in disease. Therefore, it has been classified as a Variant of Uncertain Significance.

ISTH-SSC Genomics in Thrombosis and Hemostasis, KU Leuven, Center for Molecular and Vascular Biology
Classification: Uncertain significance for Thrombophilia due to protein S deficiency, autosomal dominant. Review status: criteria provided, single submitter. Criteria: ACMG Guidelines, 2015. Collection method: clinical testing. Allele origin: germline. Affected: yes. Observed: 1 heterozygote.
Comment: Submitted to GoldVariant by Kathleen Freson, Center for Molecular and Vascular Biology, Leuven, Belgium

Literature cited by the submitters: PubMed 26466767 (cited by Labcorp Genetics (formerly Invitae), Labcorp); PubMed 8639833 (cited by Labcorp Genetics (formerly Invitae), Labcorp); PubMed 10613647 (cited by Labcorp Genetics (formerly Invitae), Labcorp); PubMed 15712227 (cited by Labcorp Genetics (formerly Invitae), Labcorp); PubMed 34533296 (cited by Labcorp Genetics (formerly Invitae), Labcorp).